The following is an entry in ClinVar:

ClinVar aggregate classification (germline): Benign/Likely benign. Review status: criteria provided, multiple submitters, no conflicts (2 of 4 stars). 4 submissions from 4 submitters: Benign (2); Likely benign (2). Last evaluated 2025-12-24.

Conditions:
KBG syndrome (KBGS). Also called: ANKRD11-Related KBG Syndrome. Identifiers: Orphanet 2332, MedGen C0220687, MONDO:0007846, OMIM 148050.

Allele frequency attached by ClinVar (database versions not stated): TOPMed 0.00006; gnomAD 0.00011; ExAC 0.00017; gnomAD exomes 0.00024; 1000 Genomes Project 30x 0.00047; 1000 Genomes Project 0.00060.
gnomAD v4.1: 353 of 1,613,776 alleles (0.022%); highest among the groups gnomAD compares: East Asian, 0.76%; 1 homozygote.

Submissions (5):

Women's Health and Genetics/Laboratory Corporation of America, LabCorp
Classification: Likely benign. Last evaluated: 2025-12-24. Review status: criteria provided, single submitter. Criteria: LabCorp Variant Classification Summary - May 2015. Collection method: clinical testing. Allele origin: germline.
Comment: Variant summary: ANKRD11 c.4442C>T (p.Ala1481Val) results in a non-conservative amino acid change in the encoded protein sequence. Algorithms developed to predict the effect of missense changes on protein structure and function are either unavailable or do not agree on the potential impact of this missense change. The variant allele was found at a frequency of 0.00011 in 250980 control chromosomes, predominantly at a frequency of 0.0014 within the East Asian subpopulation in the gnomAD database. The observed variant frequency within East Asian control individuals in the gnomAD database exceeds the estimated maximal expected allele frequency for disease-causing variants in ANKRD11. To our knowledge, no occurrence of c.4442C>T in individuals affected with ANKRD11-related conditions and no experimental evidence demonstrating its impact on protein function have been reported. ClinVar contains an entry for this variant (Variation ID: 2839575). Based on the evidence outlined above, the variant was classified as likely benign.

CeGaT Center for Human Genetics Tuebingen
Classification: Benign. Last evaluated: 2024-09-01. Review status: criteria provided, single submitter. Criteria: CeGaT Center For Human Genetics Tuebingen Variant Classification Criteria Version 2. Collection method: clinical testing. Allele origin: germline. Affected: yes. Observed: 1 variant allele.
Comment: ANKRD11: BP4, BS1, BS2

Labcorp Genetics (formerly Invitae), Labcorp
Classification: Benign for KBG syndrome. Last evaluated: 2023-12-04. Review status: criteria provided, single submitter. Criteria: Invitae Variant Classification Sherloc (09022015). Collection method: clinical testing. Allele origin: germline.

Blueprint Genetics
Classification: Likely benign. Last evaluated: 2023-09-15. Review status: criteria provided, single submitter. Criteria: ACMG Guidelines, 2015. Collection method: clinical testing. Allele origin: germline.

Dr. Peter K. Rogan Lab, Western University
No classification provided (evidence only). Condition: Gastric cancer. Review status: no classification provided. Collection method: in vitro. Allele origin: not applicable. Functional consequence: retained intron. Not counted in ClinVar's aggregate classification.

NM_013275.6(ANKRD11):c.4442C>T (p.Ala1481Val)

Gene: ANKRD11 (ankyrin repeat domain 11; minus strand). Cytogenetic location: 16q24.3.
Variant type: single nucleotide variant.
Coding change: c.4442C>T on transcript NM_013275.6 (MANE Select); coding-DNA position 4442, C replaced by T.
Protein change: p.Ala1481Val; replaces alanine 1481 with valine.
Molecular consequence: missense variant.
Genome position (GRCh38, 1-based): chr16:89,282,100, G>A on the plus strand (C>T on the coding strand, the complement: ANKRD11 is on the minus strand). VCF-style: chr16-89282100-G-A. GRCh37 (hg19) VCF-style: chr16-89348508-G-A.
Other names: c.4442C>T, p.Ala1481Val (NM_001256182.2, NM_001256183.2); short protein forms A1481V.
Identifiers: ClinVar variation 2839575 (VCV002839575.20), dbSNP rs148065431, ClinGen allele CA8242113.
Genomic context (GRCh38, chr16:89,282,100, plus strand): 5'-TTCTGCTCGTCCCTGTGATGCCGCAGGAGCTCGTCCCTGTGATGCCGCAGCAGCCCATCC[G>A]CATGCCTGTCCCGGTGCCTCTCCTTCTCGTCTCTCCATTTCTCCCTGTGTTTCTCTCTCT-3'
Protein context (NP_037407.4, residues 1471-1491): DEKERHRDRH[Ala1481Val]DGLLRHHRDE